The following is an entry in ClinVar:

NM_004523.4(KIF11):c.2461T>C (p.Ser821Pro)

Gene: KIF11 (kinesin family member 11; plus strand). Cytogenetic location: 10q23.33.
Variant type: single nucleotide variant.
Coding change: c.2461T>C on transcript NM_004523.4 (MANE Select); coding-DNA position 2461, T replaced by C.
Protein change: p.Ser821Pro; replaces serine 821 with proline.
Molecular consequence: missense variant.
Genome position (GRCh38, 1-based): chr10:92,645,556, T>C. VCF-style: chr10-92645556-T-C. GRCh37 (hg19) VCF-style: chr10-94405313-T-C.
Other names: short protein forms S821P.
Identifiers: ClinVar variation 1337657 (VCV001337657.5), dbSNP rs2135923469, ClinGen allele CA377594290.

ClinVar aggregate classification (germline): Uncertain significance. Review status: criteria provided, multiple submitters, no conflicts (2 of 4 stars). 2 submissions from 2 submitters: Uncertain significance (2). Last evaluated 2021-06-03.

Submissions (2):

Blueprint Genetics
Classification: Uncertain significance. Last evaluated: 2021-06-03. Review status: criteria provided, single submitter. Criteria: ACMG Guidelines, 2015. Collection method: clinical testing. Allele origin: germline.

Genetic Services Laboratory, University of Chicago
Classification: Uncertain significance. Last evaluated: 2020-06-09. Review status: criteria provided, single submitter. Criteria: ACMG Guidelines, 2015. Collection method: clinical testing. Allele origin: germline. Affected: no.
Comment: DNA sequence analysis of the KIF11 gene demonstrated a sequence change, c.2461T>C, in exon 18 that results in an amino acid change, p.Ser821Pro. This sequence change does not appear to have been previously described in patients with KIF11-related disorders and has not been described in the large population databases such as ExAC and gnomAD (dbSNP NA). The p.Ser821Pro change affects a poorly conserved amino acid residue located in a domain of the KIF11 protein that is not known to be functional. The p.Ser821Pro substitution appears to be benign using several in-silico pathogenicity prediction tools (SIFT, PolyPhen2, Align GVGD, REVEL). Due to these contrasting evidences and the lack of functional studies, the clinical significance of the p.Ser821Pro change remains unknown at this time.